The following is an entry in ClinVar:

NM_001128840.3(CACNA1D):c.2329A>T (p.Ile777Phe)

Gene: CACNA1D (calcium voltage-gated channel subunit alpha1 D; plus strand). Cytogenetic location: 3p21.1.
Variant type: single nucleotide variant.
Coding change: c.2329A>T on transcript NM_001128840.3 (MANE Select); coding-DNA position 2329, A replaced by T.
Protein change: p.Ile777Phe; replaces isoleucine 777 with phenylalanine.
Molecular consequence: missense variant.
Genome position (GRCh38, 1-based): chr3:53,730,549, A>T. VCF-style: chr3-53730549-A-T. GRCh37 (hg19) VCF-style: chr3-53764576-A-T.
Other names: c.2389A>T, p.Ile797Phe (NM_000720.4); c.2329A>T, p.Ile777Phe (NM_001128839.3); short protein forms I777F, I797F.
Identifiers: ClinVar variation 4766107 (VCV004766107.1).
Genomic context (GRCh38, chr3:53,730,549, plus strand): 5'-GATGCTGAAAGTCTGAACACTGCTCAGAAAGAAGAAGCGGAAGAAAAGGAGAGGAAAAAG[A>T]TTGCCAGGTAACCCTATTTTCCCCTGACGTGTTTGTCCAGGGGCTGTGTTGGGAGCCCTG-3'
Protein context (NP_001122312.1, residues 767-787): EEAEEKERKK[Ile777Phe]ARKESLENKK

ClinVar aggregate classification (germline): Uncertain significance (1 of 4 stars; one submission).

Submission:

Labcorp Genetics (formerly Invitae), Labcorp
Classification: Uncertain significance. Last evaluated: 2025-11-21. Review status: criteria provided, single submitter. Criteria: Invitae Variant Classification Sherloc (09022015). Collection method: clinical testing. Allele origin: germline.
Comment: This sequence change replaces isoleucine, which is neutral and non-polar, with phenylalanine, which is neutral and non-polar, at codon 797 of the CACNA1D protein (p.Ile797Phe). This variant is not present in population databases (gnomAD no frequency). This variant has not been reported in the literature in individuals affected with CACNA1D-related conditions. Invitae Evidence Modeling of protein sequence and biophysical properties (such as structural, functional, and spatial information, amino acid conservation, physicochemical variation, residue mobility, and thermodynamic stability) indicates that this missense variant is not expected to disrupt CACNA1D protein function with a negative predictive value of 80%. In summary, the available evidence is currently insufficient to determine the role of this variant in disease. Therefore, it has been classified as a Variant of Uncertain Significance.